The following is an entry in ClinVar:

ClinVar aggregate classification (germline): Uncertain significance (1 of 4 stars; one submission).

Conditions:
Hepatic methionine adenosyltransferase deficiency. Also called: MAT I/III DEFICIENCY; Deficiency of methionine adenosyltransferase; Methionine adenosyltransferase deficiency; Isolated Persistent Hypermethioninemia. Identifiers: Orphanet 168598, MedGen C0268621, MeSH C564683, MONDO:0009607, OMIM 250850.

Submission:

Labcorp Genetics (formerly Invitae), Labcorp
Classification: Uncertain significance for Hepatic methionine adenosyltransferase deficiency. Last evaluated: 2024-07-04. Review status: criteria provided, single submitter. Criteria: Invitae Variant Classification Sherloc (09022015). Collection method: clinical testing. Allele origin: germline.
Comment: This sequence change replaces proline, which is neutral and non-polar, with arginine, which is basic and polar, at codon 357 of the MAT1A protein (p.Pro357Arg). This variant is not present in population databases (gnomAD no frequency). This variant has not been reported in the literature in individuals affected with MAT1A-related conditions. Advanced modeling of protein sequence and biophysical properties (such as structural, functional, and spatial information, amino acid conservation, physicochemical variation, residue mobility, and thermodynamic stability) performed at Invitae indicates that this missense variant is expected to disrupt MAT1A protein function with a positive predictive value of 80%. This variant disrupts the p.Pro357 amino acid residue in MAT1A. Other variant(s) that disrupt this residue have been determined to be pathogenic (PMID: 7560086, 15935930). This suggests that this residue is clinically significant, and that variants that disrupt this residue are likely to be disease-causing. In summary, the available evidence is currently insufficient to determine the role of this variant in disease. Therefore, it has been classified as a Variant of Uncertain Significance.

Literature cited by the submitters: PubMed 7560086; PubMed 15935930.

NM_000429.3(MAT1A):c.1070C>G (p.Pro357Arg)

Gene: MAT1A (methionine adenosyltransferase 1A; minus strand). Cytogenetic location: 10q22.3.
Variant type: single nucleotide variant.
Coding change: c.1070C>G on transcript NM_000429.3 (MANE Select); coding-DNA position 1070, C replaced by G.
Protein change: p.Pro357Arg; replaces proline 357 with arginine.
Molecular consequence: missense variant.
Genome position (GRCh38, 1-based): chr10:80,274,535, G>C on the plus strand (C>G on the coding strand, the complement: MAT1A is on the minus strand). VCF-style: chr10-80274535-G-C. GRCh37 (hg19) VCF-style: chr10-82034291-G-C.
Other names: short protein forms P357R.
Identifiers: ClinVar variation 3688361 (VCV003688361.2).